The following is an entry in ClinVar:

NM_001142864.4(PIEZO1):c.4820T>C (p.Met1607Thr)

Gene: PIEZO1 (piezo type mechanosensitive ion channel component 1 (Er blood group); minus strand). Cytogenetic location: 16q24.3.
Variant type: single nucleotide variant.
Coding change: c.4820T>C on transcript NM_001142864.4 (MANE Select); coding-DNA position 4820, T replaced by C.
Protein change: p.Met1607Thr; replaces methionine 1607 with threonine.
Molecular consequence: missense variant.
Genome position (GRCh38, 1-based): chr16:88,722,353, A>G on the plus strand (T>C on the coding strand, the complement: PIEZO1 is on the minus strand). VCF-style: chr16-88722353-A-G. GRCh37 (hg19) VCF-style: chr16-88788761-A-G.
Other names: c.4820T>C (NM_001142864.3); c.3362T>C, p.Met1121Thr (NM_014745.1); short protein forms M1121T, M1607T.
Identifiers: ClinVar variation 2434717 (VCV002434717.30), dbSNP rs756364348, ClinGen allele CA8232025.
Genomic context (GRCh38, chr16:88,722,353, plus strand): 5'-TCGGTGACTGCCTCCTCACTGCCACTGCGCGTGTGGTAGCCGGTGCTCAGGGGGCTGCCC[A>G]TGTCGTCTGTCATGCTGCTGAGTGGCTCCTCCGCGCCCAGCCCACTGGGGAGGGAAGCCG-3'
Protein context (NP_001136336.2, residues 1597-1617): EEPLSSMTDD[Met1607Thr]GSPLSTGYHT

ClinVar aggregate classification (germline): Conflicting classifications of pathogenicity. Review status: criteria provided, conflicting classifications (1 of 4 stars). 4 submissions from 4 submitters: Uncertain significance (2); Benign (1); Likely benign (1). Last evaluated 2026-03-10.

Conditions:
PIEZO1-related disorder. Also called: PIEZO1-related condition; PIEZO1-Related Disorders.

Allele frequency attached by ClinVar (database versions not stated): gnomAD 0.00009.

Submissions (4):

PreventionGenetics, part of Exact Sciences
Classification: Uncertain significance for PIEZO1-related condition. Last evaluated: 2026-03-10. Review status: criteria provided, single submitter. Criteria: ACMG Guidelines, 2015. Collection method: clinical testing. Allele origin: germline.
Comment: The PIEZO1 c.4820T>C variant is predicted to result in the amino acid substitution p.Met1607Thr. To our knowledge, this variant has not been reported in the literature. This variant is reported in 0.015% of alleles in individuals of South Asian descent in gnomAD. At this time, the clinical significance of this variant is uncertain due to the absence of conclusive functional and genetic evidence.

CeGaT Center for Human Genetics Tuebingen
Classification: Likely benign. Last evaluated: 2026-02-01. Review status: criteria provided, single submitter. Criteria: CeGaT Center For Human Genetics Tuebingen Variant Classification Criteria Version 2. Collection method: clinical testing. Allele origin: germline. Affected: yes. Observed: 2 variant alleles.
Comment: PIEZO1: BP4

Labcorp Genetics (formerly Invitae), Labcorp
Classification: Benign. Last evaluated: 2025-09-10. Review status: criteria provided, single submitter. Criteria: Invitae Variant Classification Sherloc (09022015). Collection method: clinical testing. Allele origin: germline.

Revvity Omics, Revvity
Classification: Uncertain significance. Last evaluated: 2024-02-27. Review status: criteria provided, single submitter. Criteria: ACMG Guidelines, 2015. Collection method: clinical testing. Allele origin: germline.